The following is an entry in ClinVar:

ClinVar aggregate classification (germline): Uncertain significance (1 of 4 stars; one submission).

Conditions:
Brunner syndrome (BRNRS). Identifiers: Orphanet 3057, MedGen C0796275, MONDO:0010379, OMIM 300615.

Allele frequency attached by ClinVar (database versions not stated): ExAC 0.00001; gnomAD 0.00002; gnomAD exomes 0.00002 and 0.00003; TOPMed 0.00002.
gnomAD v4.1: 37 of 1,205,528 alleles (0.0031%); highest among the groups gnomAD compares: Non-Finnish European, 0.004%; no homozygotes.

Submission:

Labcorp Genetics (formerly Invitae), Labcorp
Classification: Uncertain significance for Brunner syndrome. Last evaluated: 2021-08-26. Review status: criteria provided, single submitter. Criteria: Invitae Variant Classification Sherloc (09022015). Collection method: clinical testing. Allele origin: germline.
Comment: This sequence change replaces arginine with glutamine at codon 297 of the MAOA protein (p.Arg297Gln). The arginine residue is highly conserved and there is a small physicochemical difference between arginine and glutamine. This variant is present in population databases (rs780647851, ExAC 0.002%). This variant has not been reported in the literature in individuals affected with MAOA-related conditions. Algorithms developed to predict the effect of missense changes on protein structure and function are either unavailable or do not agree on the potential impact of this missense change (SIFT: "Tolerated"; PolyPhen-2: "Probably Damaging"; Align-GVGD: "Class C0"). In summary, the available evidence is currently insufficient to determine the role of this variant in disease. Therefore, it has been classified as a Variant of Uncertain Significance.

NM_000240.4(MAOA):c.890G>A (p.Arg297Gln)

Gene: MAOA (monoamine oxidase A; plus strand). Cytogenetic location: Xp11.3.
Variant type: single nucleotide variant.
Coding change: c.890G>A on transcript NM_000240.4 (MANE Select); coding-DNA position 890, G replaced by A.
Protein change: p.Arg297Gln; replaces arginine 297 with glutamine.
Molecular consequence: missense variant.
Genome position (GRCh38, 1-based): chrX:43,731,788, G>A. VCF-style: chrX-43731788-G-A. GRCh37 (hg19) VCF-style: chrX-43591035-G-A.
Other names: c.491G>A, p.Arg164Gln (NM_001270458.2); short protein forms R297Q, R164Q.
Identifiers: ClinVar variation 567389 (VCV000567389.6), dbSNP rs780647851, ClinGen allele CA10390851.